The following is an entry in ClinVar:

ClinVar aggregate classification (germline): Uncertain significance (1 of 4 stars; one submission).

Conditions:
Severe combined immunodeficiency due to DNA-PKcs deficiency. Also called: IMMUNODEFICIENCY 26 WITH NEUROLOGIC ABNORMALITIES; Immunodeficiency 26 with or without neurologic abnormalities. Identifiers: Orphanet 317425, MedGen C4014833, MONDO:0014423, OMIM 615966.

Allele frequency attached by ClinVar (database versions not stated): gnomAD exomes below 0.00001; TOPMed below 0.00001.
gnomAD v4.1: 6 of 1,612,758 alleles (0.00037%); highest among the groups gnomAD compares: African/African-American, 0.0013%; no homozygotes.

Submission:

Labcorp Genetics (formerly Invitae), Labcorp
Classification: Uncertain significance for Severe combined immunodeficiency due to DNA-PKcs deficiency. Last evaluated: 2019-06-25. Review status: criteria provided, single submitter. Criteria: Invitae Variant Classification Sherloc (09022015). Collection method: clinical testing. Allele origin: germline.
Comment: In summary, the available evidence is currently insufficient to determine the role of this variant in disease. Therefore, it has been classified as a Variant of Uncertain Significance. Algorithms developed to predict the effect of missense changes on protein structure and function (SIFT, PolyPhen-2, Align-GVGD) all suggest that this variant is likely to be tolerated, but these predictions have not been confirmed by published functional studies and their clinical significance is uncertain. This variant has not been reported in the literature in individuals with PRKDC-related disease. This variant is not present in population databases (ExAC no frequency). This sequence change replaces asparagine with aspartic acid at codon 2534 of the PRKDC protein (p.Asn2534Asp). The asparagine residue is moderately conserved and there is a small physicochemical difference between asparagine and aspartic acid.

NM_006904.7(PRKDC):c.7600A>G (p.Asn2534Asp)

Gene: PRKDC (protein kinase, DNA-activated, catalytic subunit; minus strand). Cytogenetic location: 8q11.21.
Variant type: single nucleotide variant.
Coding change: c.7600A>G on transcript NM_006904.7 (MANE Select); coding-DNA position 7600, A replaced by G.
Protein change: p.Asn2534Asp; replaces asparagine 2534 with aspartic acid.
Molecular consequence: missense variant.
Genome position (GRCh38, 1-based): chr8:47,837,373, T>C on the plus strand (A>G on the coding strand, the complement: PRKDC is on the minus strand). VCF-style: chr8-47837373-T-C. GRCh37 (hg19) VCF-style: chr8-48749934-T-C.
Other names: c.7600A>G, p.Asn2534Asp (NM_001081640.2); short protein forms N2534D.
Identifiers: ClinVar variation 666022 (VCV000666022.9), dbSNP rs1589732127, ClinGen allele CA371153290.